The following is an entry in ClinVar:

ClinVar aggregate classification (germline): Uncertain significance (1 of 4 stars; one submission).

Conditions:
Bethlem myopathy 1A. Also called: MYOPATHY, BENIGN CONGENITAL, WITH CONTRACTURES; Bethlem myopathy 1; Bethlem Muscular Dystrophy. Identifiers: Orphanet 610, MedGen CN029274, MONDO:0024530, OMIM 158810.

gnomAD v4.1: 30 of 1,608,042 alleles (0.0019%); highest among the groups gnomAD compares: Middle Eastern, 0.017%; no homozygotes.

Submission:

Labcorp Genetics (formerly Invitae), Labcorp
Classification: Uncertain significance for Bethlem myopathy 1A. Last evaluated: 2024-06-04. Review status: criteria provided, single submitter. Criteria: Invitae Variant Classification Sherloc (09022015). Collection method: clinical testing. Allele origin: germline.
Comment: This sequence change replaces lysine, which is basic and polar, with asparagine, which is neutral and polar, at codon 1000 of the COL6A2 protein (p.Lys1000Asn). This variant is present in population databases (rs780794521, gnomAD 0.01%). This variant has not been reported in the literature in individuals affected with COL6A2-related conditions. Advanced modeling of protein sequence and biophysical properties (such as structural, functional, and spatial information, amino acid conservation, physicochemical variation, residue mobility, and thermodynamic stability) performed at Invitae indicates that this missense variant is not expected to disrupt COL6A2 protein function with a negative predictive value of 80%. In summary, the available evidence is currently insufficient to determine the role of this variant in disease. Therefore, it has been classified as a Variant of Uncertain Significance.

NM_001849.4(COL6A2):c.3000G>C (p.Lys1000Asn)

Gene: COL6A2 (collagen type VI alpha 2 chain; plus strand). Cytogenetic location: 21q22.3.
Variant type: single nucleotide variant.
Coding change: c.3000G>C on transcript NM_001849.4 (MANE Select); coding-DNA position 3000, G replaced by C.
Protein change: p.Lys1000Asn; replaces lysine 1000 with asparagine.
Molecular consequence: missense variant.
Genome position (GRCh38, 1-based): chr21:46,132,492, G>C. VCF-style: chr21-46132492-G-C. GRCh37 (hg19) VCF-style: chr21-47552406-G-C.
Other names: short protein forms K1000N.
Identifiers: ClinVar variation 3671452 (VCV003671452.2).